The following is an entry in ClinVar:

NM_000256.3(MYBPC3):c.3361C>T (p.Arg1121Cys)

Gene: MYBPC3 (myosin binding protein C3; minus strand). Cytogenetic location: 11p11.2.
Variant type: single nucleotide variant.
Coding change: c.3361C>T on transcript NM_000256.3 (MANE Select); coding-DNA position 3361, C replaced by T.
Protein change: p.Arg1121Cys; replaces arginine 1121 with cysteine.
Molecular consequence: missense variant.
Genome position (GRCh38, 1-based): chr11:47,332,943, G>A on the plus strand (C>T on the coding strand, the complement: MYBPC3 is on the minus strand). VCF-style: chr11-47332943-G-A. GRCh37 (hg19) VCF-style: chr11-47354494-G-A.
Other names: short protein forms R1121C.
Identifiers: ClinVar variation 918872 (VCV000918872.14), dbSNP rs747738308, ClinGen allele CA079332.

ClinVar aggregate classification (germline): Uncertain significance. Review status: criteria provided, multiple submitters, no conflicts (2 of 4 stars). 7 submissions from 7 submitters: Uncertain significance (7). Last evaluated 2026-03-20.

Conditions:
Cardiovascular phenotype. Identifiers: MedGen CN230736.
Hypertrophic cardiomyopathy. Also called: HYPERTROPHIC MYOCARDIOPATHY. Identifiers: Orphanet 217569, MedGen C0007194, MeSH D002312, MONDO:0005045, HP:0001639.
MYBPC3-related disorder. Also called: MYBPC3-related disorders; MYBPC3-related condition; MYBPC3-related disease.
Cardiomyopathy (CMYO). Also called: Cardiomyopathies. Identifiers: Orphanet 167848, MedGen C0878544, MONDO:0004994, HP:0001638. Inheritance: Various modes of inheritance.

Allele frequency attached by ClinVar (database versions not stated): ExAC 0.00002; gnomAD exomes 0.00002.
gnomAD v4.1: 24 of 1,610,752 alleles (0.0015%); highest among the groups gnomAD compares: Middle Eastern, 0.017%; no homozygotes.

Submissions (7):

PreventionGenetics, part of Exact Sciences
Classification: Uncertain significance for MYBPC3-related condition. Last evaluated: 2026-03-20. Review status: criteria provided, single submitter. Criteria: ACMG Guidelines, 2015. Collection method: clinical testing. Allele origin: germline.
Comment: The MYBPC3 c.3361C>T variant is predicted to result in the amino acid substitution p.Arg1121Cys. To our knowledge, this variant has not been reported in the literature. This variant is reported in 0.0057% of alleles in individuals of East Asian descent in gnomAD. At this time, the clinical significance of this variant is uncertain due to the absence of conclusive functional and genetic evidence.

Labcorp Genetics (formerly Invitae), Labcorp
Classification: Uncertain significance for Hypertrophic cardiomyopathy. Last evaluated: 2025-04-24. Review status: criteria provided, single submitter. Criteria: Invitae Variant Classification Sherloc (09022015). Collection method: clinical testing. Allele origin: germline.
Comment: This sequence change replaces arginine, which is basic and polar, with cysteine, which is neutral and slightly polar, at codon 1121 of the MYBPC3 protein (p.Arg1121Cys). The frequency data for this variant in the population databases is considered unreliable, as metrics indicate poor data quality at this position in the gnomAD database. This variant has not been reported in the literature in individuals affected with MYBPC3-related conditions. ClinVar contains an entry for this variant (Variation ID: 918872). An algorithm developed to predict the effect of missense changes on protein structure and function (PolyPhen-2) suggests that this variant is likely to be disruptive. In summary, the available evidence is currently insufficient to determine the role of this variant in disease. Therefore, it has been classified as a Variant of Uncertain Significance.

Blueprint Genetics
Classification: Uncertain significance. Last evaluated: 2024-05-19. Review status: criteria provided, single submitter. Criteria: ACMG Guidelines, 2015. Collection method: clinical testing. Allele origin: germline.

All of Us Research Program, National Institutes of Health
Classification: Uncertain significance for Hypertrophic cardiomyopathy. Last evaluated: 2023-07-10. Review status: criteria provided, single submitter. Criteria: ACMG Guidelines, 2015. Collection method: clinical testing. Allele origin: germline. Inheritance: Autosomal dominant inheritance. Observed: 2 variant alleles, 2 heterozygotes.
Comment: This missense variant replaces arginine with cysteine at codon 1121 of the MYBPC3 protein. Computational prediction tool suggests that this variant may not impact protein structure and function (internally defined REVEL score threshold <=0.5, PMID: 27666373). Splice site prediction tools suggest that this variant may not impact RNA splicing. To our knowledge, functional studies have not been performed for this variant. This variant has not been reported in individuals affected with cardiovascular disorders in the literature. This variant has been identified in 4/241866 chromosomes in the general population by the Genome Aggregation Database (gnomAD). The available evidence is insufficient to determine the role of this variant in disease conclusively. Therefore, this variant is classified as a Variant of Uncertain Significance.

This study involves interpretation of variants in research participants for the purpose of population health screening. Participant phenotype was not available at the time of variant classification. Additional details can be found in publication PMID: 35346344, PMCID: PMC8962531

Ambry Genetics
Classification: Uncertain significance for Cardiovascular phenotype. Last evaluated: 2023-07-03. Review status: criteria provided, single submitter. Criteria: Ambry Variant Classification Scheme 2023. Collection method: clinical testing. Allele origin: germline.
Comment: The p.R1121C variant (also known as c.3361C>T), located in coding exon 31 of the MYBPC3 gene, results from a C to T substitution at nucleotide position 3361. The arginine at codon 1121 is replaced by cysteine, an amino acid with highly dissimilar properties. This amino acid position is not well conserved in available vertebrate species. In addition, the in silico prediction for this alteration is inconclusive. Since supporting evidence is limited at this time, the clinical significance of this alteration remains unclear.

Color Diagnostics, LLC DBA Color Health
Classification: Uncertain significance for Cardiomyopathy. Last evaluated: 2023-06-28. Review status: criteria provided, single submitter. Criteria: ACMG Guidelines, 2015. Collection method: clinical testing. Allele origin: germline.
Comment: This missense variant replaces arginine with cysteine at codon 1121 of the MYBPC3 protein. Computational prediction suggests that this variant may not impact protein structure and function (internally defined REVEL score threshold <= 0.5, PMID: 27666373). To our knowledge, functional studies have not been reported for this variant. This variant has not been reported in individuals affected with MYBPC3-related disorders in the literature. This variant has been identified in 4/241866 chromosomes in the general population by the Genome Aggregation Database (gnomAD). The available evidence is insufficient to determine the role of this variant in disease conclusively. Therefore, this variant is classified as a Variant of Uncertain Significance.

CHEO Genetics Diagnostic Laboratory, Children's Hospital of Eastern Ontario
Classification: Uncertain significance for Cardiomyopathy. Last evaluated: 2022-02-17. Review status: criteria provided, single submitter. Criteria: ACMG Guidelines, 2015. Collection method: clinical testing. Allele origin: germline.